The following is an entry in ClinVar:

NM_017617.5(NOTCH1):c.2296G>C (p.Gly766Arg)

Gene: NOTCH1 (notch receptor 1; minus strand). Cytogenetic location: 9q34.3.
Variant type: single nucleotide variant.
Coding change: c.2296G>C on transcript NM_017617.5 (MANE Select); coding-DNA position 2296, G replaced by C.
Protein change: p.Gly766Arg; replaces glycine 766 with arginine.
Molecular consequence: missense variant.
Genome position (GRCh38, 1-based): chr9:136,513,449, C>G on the plus strand (G>C on the coding strand, the complement: NOTCH1 is on the minus strand). VCF-style: chr9-136513449-C-G. GRCh37 (hg19) VCF-style: chr9-139407901-C-G.
Other names: c.2296G>C (NM_017617.3); short protein forms G766R.
Identifiers: ClinVar variation 1959750 (VCV001959750.6), dbSNP rs768836936, ClinGen allele CA5341424.
Genomic context (GRCh38, chr9:136,513,449, plus strand): 5'-CACCGCTGAAGCCCTCCCGGCAGGTGCACACGTAGCCACTGGTCATGTCTTTGCAGGTGC[C>G]GCCGTTGACACAAGGGTTGGATTCACACTCATTGTTGTTGATGTCACAGTTGGTCCCACT-3'
Protein context (NP_060087.3, residues 756-776): ECESNPCVNG[Gly766Arg]TCKDMTSGYV

ClinVar aggregate classification (germline): Uncertain significance. Review status: criteria provided, multiple submitters, no conflicts (2 of 4 stars). 2 submissions from 2 submitters: Uncertain significance (2). Last evaluated 2025-07-29.

Conditions:
Adams-Oliver syndrome 5 (AOS5). Identifiers: Orphanet 974, MedGen C4014970, MONDO:0014459, OMIM 616028.
Familial thoracic aortic aneurysm and aortic dissection (TAAD). Also called: Thoracic aortic aneurysms and dissections. Identifiers: Orphanet 91387, MedGen C4707243, MONDO:0019625.

Allele frequency attached by ClinVar (database versions not stated): gnomAD 0.00001.
gnomAD v4.1: 2 of 1,613,052 alleles (0.00012%); highest among the groups gnomAD compares: Non-Finnish European, 0.00017%; no homozygotes.

Submissions (2):

Ambry Genetics
Classification: Uncertain significance for Familial thoracic aortic aneurysm and aortic dissection. Last evaluated: 2025-07-29. Review status: criteria provided, single submitter. Criteria: Ambry Variant Classification Scheme 2023. Collection method: clinical testing. Allele origin: germline.
Comment: The p.G766R variant (also known as c.2296G>C), located in coding exon 14 of the NOTCH1 gene, results from a G to C substitution at nucleotide position 2296. The glycine at codon 766 is replaced by arginine, an amino acid with dissimilar properties. This amino acid position is conserved. In addition, this alteration is predicted to be deleterious by in silico analysis. Based on the available evidence, the clinical significance of this variant remains unclear.

Labcorp Genetics (formerly Invitae), Labcorp
Classification: Uncertain significance for Adams-Oliver syndrome 5. Last evaluated: 2022-05-31. Review status: criteria provided, single submitter. Criteria: Invitae Variant Classification Sherloc (09022015). Collection method: clinical testing. Allele origin: germline.
Comment: In summary, the available evidence is currently insufficient to determine the role of this variant in disease. Therefore, it has been classified as a Variant of Uncertain Significance. Algorithms developed to predict the effect of missense changes on protein structure and function (SIFT, PolyPhen-2, Align-GVGD) all suggest that this variant is likely to be disruptive. This variant has not been reported in the literature in individuals affected with NOTCH1-related conditions. This variant is present in population databases (rs768836936, gnomAD 0.002%). This sequence change replaces glycine, which is neutral and non-polar, with arginine, which is basic and polar, at codon 766 of the NOTCH1 protein (p.Gly766Arg).